The following is an entry in ClinVar:

NM_002661.5(PLCG2):c.1895C>T (p.Thr632Met)

Gene: PLCG2 (phospholipase C gamma 2; plus strand). Cytogenetic location: 16q23.3.
Variant type: single nucleotide variant.
Coding change: c.1895C>T on transcript NM_002661.5 (MANE Select); coding-DNA position 1895, C replaced by T.
Protein change: p.Thr632Met; replaces threonine 632 with methionine.
Molecular consequence: missense variant.
Genome position (GRCh38, 1-based): chr16:81,910,681, C>T. VCF-style: chr16-81910681-C-T. GRCh37 (hg19) VCF-style: chr16-81944286-C-T.
Other names: short protein forms T632M.
Identifiers: ClinVar variation 1063151 (VCV001063151.9), dbSNP rs565010144, ClinGen allele CA8193969.

ClinVar aggregate classification (germline): Uncertain significance (1 of 4 stars; one submission).

Conditions:
Familial cold autoinflammatory syndrome 3 (FCAS3). Also called: FAMILIAL ATYPICAL COLD URTICARIA; ANTIBODY DEFICIENCY AND IMMUNE DYSREGULATION, PLCG2-ASSOCIATED. Identifiers: Orphanet 300359, MedGen C3280914, MONDO:0013766, OMIM 614468.

Allele frequency attached by ClinVar (database versions not stated): gnomAD exomes 0.00001; ExAC 0.00002.
gnomAD v4.1: 14 of 1,612,436 alleles (0.00087%); highest among the groups gnomAD compares: South Asian, 0.0033%; no homozygotes.

Submission:

Labcorp Genetics (formerly Invitae), Labcorp
Classification: Uncertain significance for Familial cold autoinflammatory syndrome 3. Last evaluated: 2025-08-21. Review status: criteria provided, single submitter. Criteria: Invitae Variant Classification Sherloc (09022015). Collection method: clinical testing. Allele origin: germline.
Comment: This sequence change replaces threonine, which is neutral and polar, with methionine, which is neutral and non-polar, at codon 632 of the PLCG2 protein (p.Thr632Met). This variant is present in population databases (rs565010144, gnomAD 0.006%). This variant has not been reported in the literature in individuals affected with PLCG2-related conditions. ClinVar contains an entry for this variant (Variation ID: 1063151). An algorithm developed to predict the effect of missense changes on protein structure and function (PolyPhen-2) suggests that this variant is likely to be disruptive. In summary, the available evidence is currently insufficient to determine the role of this variant in disease. Therefore, it has been classified as a Variant of Uncertain Significance.